The following is an entry in ClinVar:

NM_024753.5(TTC21B):c.1138C>T (p.Gln380Ter)

Gene: TTC21B (tetratricopeptide repeat domain 21B; minus strand). Cytogenetic location: 2q24.3.
Variant type: single nucleotide variant.
Coding change: c.1138C>T on transcript NM_024753.5 (MANE Select); coding-DNA position 1138, C replaced by T.
Protein change: p.Gln380Ter; replaces glutamine 380 with a stop codon.
Molecular consequence: nonsense.
Genome position (GRCh38, 1-based): chr2:165,929,697, G>A on the plus strand (C>T on the coding strand, the complement: TTC21B is on the minus strand). VCF-style: chr2-165929697-G-A. GRCh37 (hg19) VCF-style: chr2-166786207-G-A.
Other names: short protein forms Q380*.
Identifiers: ClinVar variation 1392901 (VCV001392901.6), dbSNP rs749794837, ClinGen allele CA349066184.
Genomic context (GRCh38, chr2:165,929,697, plus strand): 5'-TAAAATACTGTACCGCAGATTTTCCAATGGATTGCTGGATTTCATTTAAAAATTCTAGCT[G>A]CTGATCTGCATCCTGTAATTGCCCTTCTATCAACTGACATTGGATAAATCCTAAAATCAA-3'

ClinVar aggregate classification (germline): Pathogenic (1 of 4 stars; one submission).

Conditions:
Jeune thoracic dystrophy. Also called: Jeune syndrome; Infantile thoracic dystrophy; Thoracic pelvic phalangeal dystrophy; Jeune's syndrome; Chondroectodermal dysplasia-like syndrome; Short-rib thoracic dysplasia. Identifiers: Orphanet 474, MedGen C0265275, MONDO:0018770.
Nephronophthisis. Also called: Juvenile Nephronophthisis. Identifiers: Orphanet 655, MedGen C0687120, MONDO:0019005, HP:0000090.

Submission:

Labcorp Genetics (formerly Invitae), Labcorp
Classification: Pathogenic for Jeune thoracic dystrophy; Nephronophthisis. Last evaluated: 2021-07-31. Review status: criteria provided, single submitter. Criteria: Invitae Variant Classification Sherloc (09022015). Collection method: clinical testing. Allele origin: germline.
Comment: This sequence change creates a premature translational stop signal (p.Gln380*) in the TTC21B gene. It is expected to result in an absent or disrupted protein product. Loss-of-function variants in TTC21B are known to be pathogenic (PMID: 18327258, 21068128, 21258341, 23559409, 24876116, 25492405, 27491411, 29068549). This variant is not present in population databases (ExAC no frequency). This variant has not been reported in the literature in individuals affected with TTC21B-related conditions. For these reasons, this variant has been classified as Pathogenic.

Literature cited by the submitters: PubMed 18327258; PubMed 21068128; PubMed 21258341; PubMed 23559409; PubMed 24876116; PubMed 25492405; PubMed 27491411; PubMed 29068549.